The following is an entry in ClinVar:

ClinVar aggregate classification (germline): Uncertain significance (1 of 4 stars; one submission).

Conditions:
Primary ciliary dyskinesia. Also called: Ciliary dyskinesia. Identifiers: Orphanet 244, MedGen C0008780, MONDO:0016575, HP:0012265.

gnomAD v4.1: 11 of 1,611,338 alleles (0.00068%); highest among the groups gnomAD compares: Non-Finnish European, 0.00093%; no homozygotes.

Submission:

Ambry Genetics
Classification: Uncertain significance for Primary ciliary dyskinesia. Last evaluated: 2025-01-28. Review status: criteria provided, single submitter. Criteria: Ambry Variant Classification Scheme 2023. Collection method: clinical testing. Allele origin: germline.
Comment: The p.A899T variant (also known as c.2695G>A), located in coding exon 17 of the ARMC4 gene, results from a G to A substitution at nucleotide position 2695. The alanine at codon 899 is replaced by threonine, an amino acid with similar properties. This amino acid position is conserved. In addition, the in silico prediction for this alteration is inconclusive. Based on the available evidence, the clinical significance of this variant remains unclear.

NM_018076.5(ODAD2):c.2695G>A (p.Ala899Thr)

Gene: ODAD2 (outer dynein arm docking complex subunit 2; minus strand). Cytogenetic location: 10p12.1.
Variant type: single nucleotide variant.
Coding change: c.2695G>A on transcript NM_018076.5 (MANE Select); coding-DNA position 2695, G replaced by A.
Protein change: p.Ala899Thr; replaces alanine 899 with threonine.
Molecular consequence: missense variant.
Genome position (GRCh38, 1-based): chr10:27,862,538, C>T on the plus strand (G>A on the coding strand, the complement: ODAD2 is on the minus strand). VCF-style: chr10-27862538-C-T. GRCh37 (hg19) VCF-style: chr10-28151467-C-T.
Other names: c.2695G>A, p.Ala899Thr (NM_001290020.2); c.1270G>A, p.Ala424Thr (NM_001290021.2); c.1771G>A, p.Ala591Thr (NM_001312689.2); short protein forms A424T, A591T, A899T.
Identifiers: ClinVar variation 3882562 (VCV003882562.1).